The following is an entry in ClinVar:

ClinVar aggregate classification (germline): Uncertain significance (1 of 4 stars; one submission).

Conditions:
SLC35A2-congenital disorder of glycosylation. Also called: EPILEPTIC ENCEPHALOPATHY, EARLY INFANTILE, 22; SLC35A2-CDG; DEVELOPMENTAL AND EPILEPTIC ENCEPHALOPATHY 22; CONGENITAL DISORDER OF GLYCOSYLATION, TYPE IIm, SOMATIC MOSAIC; CONGENITAL DISORDER OF GLYCOSYLATION, TYPE IIm; CDG IIm. Identifiers: Orphanet 356961, MedGen C3806688, MONDO:0010478, OMIM 300896.

Submission:

Juno Genomics, Hangzhou Juno Genomics, Inc
Classification: Uncertain significance for SLC35A2-congenital disorder of glycosylation. Review status: criteria provided, single submitter. Criteria: ACMG Guidelines, 2015. Collection method: clinical testing. Allele origin: germline.
Comment: Absent from controls (or at extremely low frequency if recessive) in Genome Aggregation Database.;Multiple lines of computational evidence support a deleterious effect on the gene or gene product.

NM_005660.3(SLC35A2):c.796_797delinsAA (p.Gly266Lys)

Gene: SLC35A2 (solute carrier family 35 member A2; minus strand). Cytogenetic location: Xp11.23.
Variant type: Indel.
Coding change: c.796_797delinsAA on transcript NM_005660.3 (MANE Select); coding-DNA positions 796 to 797, GG replaced by AA.
Protein change: p.Gly266Lys; replaces glycine 266 with lysine.
Molecular consequence: missense variant. On other transcripts: intron variant (3).
Genome position (GRCh38, 1-based): chrX:48,905,112-48,905,113, CC replaced by TT on the plus strand (GG replaced by AA on the coding strand, the reverse complement: SLC35A2 is on the minus strand). VCF-style: chrX-48905112-CC-TT. GRCh37 (hg19) VCF-style: chrX-48762389-CC-TT.
Other names: c.796_797delinsAA, p.Gly266Lys (NM_001042498.3); c.613_614delinsAA, p.Gly205Lys (NM_001282649.2); c.835_836delinsAA, p.Gly279Lys (NM_001282650.2); c.880_881delinsAA, p.Gly294Lys (NM_001282651.2); c.427-221_427-220delinsAA (NM_001282647.2, NM_001032289.3); c.355-221_355-220delinsAA (NM_001282648.2); short protein forms G205K, G266K, G279K, G294K.
Identifiers: ClinVar variation 5019261 (VCV005019261.2).